The following is an entry in ClinVar:

NM_001349253.2(SCN11A):c.5067C>G (p.Phe1689Leu)

Gene: SCN11A (sodium voltage-gated channel alpha subunit 11; minus strand). Cytogenetic location: 3p22.2.
Variant type: single nucleotide variant.
Coding change: c.5067C>G on transcript NM_001349253.2 (MANE Select); coding-DNA position 5067, C replaced by G.
Protein change: p.Phe1689Leu; replaces phenylalanine 1689 with leucine.
Molecular consequence: missense variant.
Genome position (GRCh38, 1-based): chr3:38,847,003, G>C on the plus strand (C>G on the coding strand, the complement: SCN11A is on the minus strand). VCF-style: chr3-38847003-G-C. GRCh37 (hg19) VCF-style: chr3-38888494-G-C.
Other names: c.5067C>G, p.Phe1689Leu (NM_014139.3); short protein forms F1689L.
Identifiers: ClinVar variation 474743 (VCV000474743.21), dbSNP rs201107889, ClinGen allele CA2321407.
Genomic context (GRCh38, chr3:38,847,003, plus strand): 5'-CTCTTCCATCATTGCTTTCATACTATCTAGGCCATCAGAGCCACCGAGTACCCTAGCGGT[G>C]AAGGCGAAAAGAATATCCATGCAGTGGAGGCGATCTTCACTCACCATGGGCAAGTCCATT-3'
Protein context (NP_001336182.1, residues 1679-1699): RLHCMDILFA[Phe1689Leu]TARVLGGSDG

ClinVar aggregate classification (germline): Conflicting classifications of pathogenicity. Review status: criteria provided, conflicting classifications (1 of 4 stars). 7 submissions from 6 submitters: Uncertain significance (2); Likely benign (3). 2 of the submissions do not count toward it. Last evaluated 2026-01-21.

Conditions:
SCN11A-related disorder. Also called: SCN11A-related condition.
Hereditary motor neuron disease. Also called: Genetic motor neuron disease. Identifiers: Orphanet 98505, MedGen C0270763, MONDO:0024257.
Charcot-Marie-Tooth disease. Also called: Charcot-Marie-Tooth Neuropathy; Charcot-Marie-Tooth Hereditary Neuropathy. Identifiers: Orphanet 166, MedGen C0007959, MONDO:0015626.
Hereditary sensory and autonomic neuropathy type 7. Also called: HSAN VII; Neuropathy, hereditary sensory and autonomic, type VII. Identifiers: Orphanet 391397, MedGen C3809882, MONDO:0014244, OMIM 615548.
Familial episodic pain syndrome with predominantly lower limb involvement. Also called: Episodic pain syndrome, familial, 3. Identifiers: Orphanet 391384, Orphanet 391392, MedGen C3809899, MONDO:0014247, OMIM 615552.
Inborn genetic diseases. Identifiers: MedGen C0950123, MeSH D030342.

Allele frequency attached by ClinVar (database versions not stated): gnomAD exomes 0.00010 and 0.00022; ESP Exome Variant Server 0.00015; ExAC 0.00017; 1000 Genomes Project 0.00020; TOPMed 0.00028; 1000 Genomes Project 30x 0.00031; gnomAD 0.00032 and 0.00034.
gnomAD v4.1: 210 of 1,614,084 alleles (0.013%); highest among the groups gnomAD compares: Admixed American, 0.1%; no homozygotes.

Submissions (7):

Labcorp Genetics (formerly Invitae), Labcorp
Classification: Likely benign for Familial episodic pain syndrome with predominantly lower limb involvement; Hereditary sensory and autonomic neuropathy type 7. Last evaluated: 2026-01-21. Review status: criteria provided, single submitter. Criteria: Invitae Variant Classification Sherloc (09022015). Collection method: clinical testing. Allele origin: germline.

PreventionGenetics, part of Exact Sciences
Classification: Likely benign for SCN11A-related condition. Last evaluated: 2025-08-14. Review status: criteria provided, single submitter. Criteria: ACMG Guidelines, 2015. Collection method: clinical testing. Allele origin: germline.
Comment: This variant is classified as likely benign based on ACMG/AMP sequence variant interpretation guidelines (Richards et al. 2015 PMID: 25741868, with internal and published modifications).

GeneDx
Classification: Uncertain significance. Last evaluated: 2025-04-23. Review status: criteria provided, single submitter. Criteria: GeneDx Variant Classification Process June 2021. Collection method: clinical testing. Allele origin: germline. Affected: yes.
Comment: Identified as heterozygous in a patient with painful peripheral neuropathy who did not have other pathogenic variants in SCN9A or SCN10A (PMID: 24776970); Published functional studies demonstrate a damaging effect with increased activity of Nav1.9 (PMID: 29213238); In silico analysis supports that this missense variant has a deleterious effect on protein structure/function; This variant is associated with the following publications: (PMID: 26243570, 30046661, 26462871, 30557356, 29213238, 24776970)

Mayo Clinic Laboratories, Mayo Clinic
Classification: Uncertain significance. Last evaluated: 2021-04-19. Review status: criteria provided, single submitter. Criteria: ACMG Guidelines, 2015. Collection method: clinical testing. Allele origin: germline.

Ambry Genetics
Classification: Likely benign for Inborn genetic diseases. Last evaluated: 2021-02-03. Review status: criteria provided, single submitter. Criteria: Ambry Variant Classification Scheme 2023. Collection method: clinical testing. Allele origin: germline.

Inherited Neuropathy Consortium
Classification: Uncertain significance for Charcot-Marie-Tooth disease. Review status: no assertion criteria provided. Collection method: literature only. Allele origin: germline. Affected: yes. Not counted in ClinVar's aggregate classification.

Inherited Neuropathy Consortium
Classification: Uncertain significance for Hereditary motor neuron disease. Review status: no assertion criteria provided. Collection method: provider interpretation. Allele origin: inherited. Affected: yes. Not counted in ClinVar's aggregate classification.

Literature cited by the submitters: PubMed 24776970 (cited by Inherited Neuropathy Consortium).